The following is an entry in ClinVar:

ClinVar aggregate classification (germline): Uncertain significance. Review status: criteria provided, multiple submitters, no conflicts (2 of 4 stars). 2 submissions from 2 submitters: Uncertain significance (2). Last evaluated 2022-10-26.

Conditions:
Inborn genetic diseases. Identifiers: MedGen C0950123, MeSH D030342.

gnomAD v4.1: 25 of 1,613,844 alleles (0.0015%); highest among the groups gnomAD compares: Non-Finnish European, 0.0016%; no homozygotes.

Submissions (2):

Ambry Genetics
Classification: Uncertain significance for Inborn genetic diseases. Last evaluated: 2022-10-26. Review status: criteria provided, single submitter. Criteria: Ambry Variant Classification Scheme 2023. Collection method: clinical testing. Allele origin: germline.

Labcorp Genetics (formerly Invitae), Labcorp
Classification: Uncertain significance. Last evaluated: 2022-03-23. Review status: criteria provided, single submitter. Criteria: Invitae Variant Classification Sherloc (09022015). Collection method: clinical testing. Allele origin: germline.
Comment: In summary, the available evidence is currently insufficient to determine the role of this variant in disease. Therefore, it has been classified as a Variant of Uncertain Significance. Algorithms developed to predict the effect of missense changes on protein structure and function are either unavailable or do not agree on the potential impact of this missense change (SIFT: "Deleterious"; PolyPhen-2: "Benign"; Align-GVGD: "Class C0"). This variant has not been reported in the literature in individuals affected with NPR3-related conditions. This variant is not present in population databases (gnomAD no frequency). This sequence change replaces arginine, which is basic and polar, with leucine, which is neutral and non-polar, at codon 91 of the NPR3 protein (p.Arg91Leu).

NM_001204375.2(NPR3):c.272G>T (p.Arg91Leu)

Genes: NPR3 (natriuretic peptide receptor 3; plus strand), LOC123493284 (Sharpr-MPRA regulatory region 158; plus strand). Cytogenetic location: 5p13.3.
Variant type: single nucleotide variant.
Coding change: c.272G>T on transcript NM_001204375.2 (MANE Select); coding-DNA position 272, G replaced by T.
Protein change: p.Arg91Leu; replaces arginine 91 with leucine.
Molecular consequence: missense variant. On other transcripts: intron variant (4).
Genome position (GRCh38, 1-based): chr5:32,712,048, G>T. VCF-style: chr5-32712048-G-T. GRCh37 (hg19) VCF-style: chr5-32712154-G-T.
Other names: c.272G>T, p.Arg91Leu (NM_000908.4); c.50-12650G>T (NM_001364458.2); c.121+1265G>T (NM_001363652.2, NM_001204376.2, NM_001364460.2); short protein forms R91L.
Identifiers: ClinVar variation 2073147 (VCV002073147.5), dbSNP rs374859010, ClinGen allele CA359466543.